The following is an entry in ClinVar:

NM_001114753.3(ENG):c.316T>C (p.Phe106Leu)

Gene: ENG (endoglin; minus strand). Cytogenetic location: 9q34.11.
Variant type: single nucleotide variant.
Coding change: c.316T>C on transcript NM_001114753.3 (MANE Select); coding-DNA position 316, T replaced by C.
Protein change: p.Phe106Leu; replaces phenylalanine 106 with leucine.
Molecular consequence: missense variant. On other transcripts: 5 prime UTR variant (1).
Genome position (GRCh38, 1-based): chr9:127,829,731, A>G on the plus strand (T>C on the coding strand, the complement: ENG is on the minus strand). VCF-style: chr9-127829731-A-G. GRCh37 (hg19) VCF-style: chr9-130592010-A-G.
Other names: c.316T>C, p.Phe106Leu (NM_000118.4, NM_001406715.1); c.-231T>C (NM_001278138.2); short protein forms F106L.
Identifiers: ClinVar variation 4843435 (VCV004843435.1).

ClinVar aggregate classification (germline): Uncertain significance (1 of 4 stars; one submission).

Conditions:
Cardiovascular phenotype. Identifiers: MedGen CN230736.

gnomAD v4.1: 2 of 1,614,052 alleles (0.00012%); highest among the groups gnomAD compares: African/African-American, 0.0027%; no homozygotes.

Submission:

Ambry Genetics
Classification: Uncertain significance for Cardiovascular phenotype. Last evaluated: 2026-03-12. Review status: criteria provided, single submitter. Criteria: Ambry Variant Classification Scheme 2023. Collection method: clinical testing. Allele origin: germline.
Comment: The p.F106L variant (also known as c.316T>C), located in coding exon 3 of the ENG gene, results from a T to C substitution at nucleotide position 316. The phenylalanine at codon 106 is replaced by leucine, an amino acid with highly similar properties. This amino acid position is conserved. In addition, this alteration is predicted to be tolerated by in silico analysis. Based on the available evidence, the clinical significance of this variant remains unclear.